The following is an entry in ClinVar:

NM_000284.4(PDHA1):c.1009-23T>C

Gene: PDHA1 (pyruvate dehydrogenase E1 subunit alpha 1; plus strand). Cytogenetic location: Xp22.12.
Variant type: single nucleotide variant.
Coding change: c.1009-23T>C on transcript NM_000284.4 (MANE Select); 23 bases into the intron before coding-DNA position 1009, T replaced by C.
Molecular consequence: intron variant.
Genome position (GRCh38, 1-based): chrX:19,359,466, T>C. VCF-style: chrX-19359466-T-C. GRCh37 (hg19) VCF-style: chrX-19377584-T-C.
Other names: p.?; c.1123-23T>C (NM_001173454.2); c.1030-23T>C (NM_001173455.2); c.916-23T>C (NM_001173456.2).
Identifiers: ClinVar variation 632938 (VCV000632938.4), dbSNP rs5955760, ClinGen allele CA10363194.

ClinVar aggregate classification (germline): Benign. Review status: criteria provided, multiple submitters, no conflicts (2 of 4 stars). 4 submissions from 4 submitters: Benign (4). Last evaluated 2021-04-07.

Allele frequency attached by ClinVar (database versions not stated): gnomAD exomes 0.05967 and 0.10075; ExAC 0.07828; TOPMed 0.24381; ESP Exome Variant Server 0.26205; gnomAD 0.22827 and 0.21756; 1000 Genomes Project 0.24689; 1000 Genomes Project 30x 0.25557.
gnomAD v4.1: 90,172 of 1,191,427 alleles (7.6%); highest among the groups gnomAD compares: African/African-American, 67%; 10,795 homozygotes.

Submissions (4):

Mayo Clinic Laboratories, Mayo Clinic
Classification: Benign. Last evaluated: 2021-04-07. Review status: criteria provided, single submitter. Criteria: ACMG Guidelines, 2015. Collection method: clinical testing. Allele origin: germline. Observed: 4 variant alleles.

Women's Health and Genetics/Laboratory Corporation of America, LabCorp
Classification: Benign. Last evaluated: 2017-12-22. Review status: criteria provided, single submitter. Criteria: LabCorp Variant Classification Summary - May 2015. Collection method: clinical testing. Allele origin: germline.
Comment: Variant summary: c.1009-23T>C in PDHA1 gene is an intronic change that involves a non-conserved nucleotide. 5/5 programs in Alamut predict that this variant does not affect a normal splicing, however no functional studies supporting this notion were published at the time of evaluation. The variant is present in the control population dataset of gnomAD at frequency of 0.1107 (22160/200210 chrs tested, including 3217 homozygotes and 7819 hemizygotes), predominantly in individuals of African descent (0.6773; 12219/18042 chrs tested). The observed frequency greatly exceeds the maximum expected allele frequency for a pathogenic variant of 0.0012, suggesting that it is a common polymorphism. The variant of interest has not, to our knowledge, been reported in affected individuals in published reports or cited by reputable database/clinical laboratory. Taking together, the variant was classified as Benign.

GeneDx
Classification: Benign. Last evaluated: 2015-03-03. Review status: criteria provided, single submitter. Criteria: GeneDx Variant Classification Process June 2021. Collection method: clinical testing. Allele origin: germline. Affected: yes.

Breakthrough Genomics
Classification: Benign. Review status: criteria provided, single submitter. Criteria: ACMG Guidelines, 2015. Collection method: not provided. Allele origin: germline. Inheritance: X-linked inheritance. Affected: yes.